The following is an entry in ClinVar:

NM_032119.4(ADGRV1):c.4264A>G (p.Ser1422Gly)

Gene: ADGRV1 (adhesion G protein-coupled receptor V1; plus strand). Cytogenetic location: 5q14.3.
Variant type: single nucleotide variant.
Coding change: c.4264A>G on transcript NM_032119.4 (MANE Select); coding-DNA position 4264, A replaced by G.
Protein change: p.Ser1422Gly; replaces serine 1422 with glycine.
Molecular consequence: missense variant. On other transcripts: non-coding transcript variant (1).
Genome position (GRCh38, 1-based): chr5:90,653,838, A>G. VCF-style: chr5-90653838-A-G. GRCh37 (hg19) VCF-style: chr5-89949655-A-G.
Other names: short protein forms S1422G.
Identifiers: ClinVar variation 667560 (VCV000667560.14), dbSNP rs377136573, ClinGen allele CA3339312.

ClinVar aggregate classification (germline): Conflicting classifications of pathogenicity. Review status: criteria provided, conflicting classifications (1 of 4 stars). 6 submissions from 6 submitters: Uncertain significance (2); Benign (1); Likely benign (3). Last evaluated 2026-01-27.

Conditions:
ADGRV1-related disorder. Also called: ADGRV1-related disorders; ADGRV1-related condition.
Inborn genetic diseases. Identifiers: MedGen C0950123, MeSH D030342.

Allele frequency attached by ClinVar (database versions not stated): gnomAD exomes 0.00009; ExAC 0.00013; 1000 Genomes Project 30x 0.00016; 1000 Genomes Project 0.00020; ESP Exome Variant Server 0.00025; gnomAD 0.00033 and 0.00039; TOPMed 0.00042.
gnomAD v4.1: 101 of 1,612,654 alleles (0.0063%); highest among the groups gnomAD compares: African/African-American, 0.12%; no homozygotes.

Submissions (6):

Labcorp Genetics (formerly Invitae), Labcorp
Classification: Benign. Last evaluated: 2026-01-27. Review status: criteria provided, single submitter. Criteria: Invitae Variant Classification Sherloc (09022015). Collection method: clinical testing. Allele origin: germline.

Women's Health and Genetics/Laboratory Corporation of America, LabCorp
Classification: Uncertain significance. Last evaluated: 2026-01-16. Review status: criteria provided, single submitter. Criteria: LabCorp Variant Classification Summary - May 2015. Collection method: clinical testing. Allele origin: germline.
Comment: Variant summary: ADGRV1 c.4264A>G (p.Ser1422Gly) results in a non-conservative amino acid change in the encoded protein sequence. Algorithms developed to predict the effect of missense changes on protein structure and function are either unavailable or do not agree on the potential impact of this missense change. The variant allele was found at a frequency of 8.5e-05 in 246300 control chromosomes. This frequency is not significantly higher than estimated for disease-causing variants in ADGRV1, allowing no conclusion about variant significance. To our knowledge, no occurrence of c.4264A>G in individuals affected with ADGRV1-related conditions and no experimental evidence demonstrating its impact on protein function have been reported. ClinVar contains an entry for this variant (Variation ID: 667560). Based on the evidence outlined above, the variant was classified as uncertain significance.

PreventionGenetics, part of Exact Sciences
Classification: Likely benign for ADGRV1-related condition. Last evaluated: 2024-11-17. Review status: criteria provided, single submitter. Criteria: ACMG Guidelines, 2015. Collection method: clinical testing. Allele origin: germline.
Comment: This variant is classified as likely benign based on ACMG/AMP sequence variant interpretation guidelines (Richards et al. 2015 PMID: 25741868, with internal and published modifications).

Blueprint Genetics
Classification: Likely benign. Last evaluated: 2024-02-14. Review status: criteria provided, single submitter. Criteria: ACMG Guidelines, 2015. Collection method: clinical testing. Allele origin: germline.

Ambry Genetics
Classification: Uncertain significance for Inborn genetic diseases. Last evaluated: 2021-08-17. Review status: criteria provided, single submitter. Criteria: Ambry Variant Classification Scheme 2023. Collection method: clinical testing. Allele origin: germline.

GeneDx
Classification: Likely benign. Last evaluated: 2018-05-12. Review status: criteria provided, single submitter. Criteria: GeneDx Variant Classification (06012015). Collection method: clinical testing. Allele origin: germline. Affected: yes.
Comment: This variant is considered likely benign or benign based on one or more of the following criteria: it is a conservative change, it occurs at a poorly conserved position in the protein, it is predicted to be benign by multiple in silico algorithms, and/or has population frequency not consistent with disease.